The following is an entry in ClinVar:

ClinVar aggregate classification (germline): Benign/Likely benign. Review status: criteria provided, multiple submitters, no conflicts (2 of 4 stars). 5 submissions from 5 submitters: Benign (3); Likely benign (2). Last evaluated 2026-01-27.

Allele frequency attached by ClinVar (database versions not stated): ExAC 0.00031; 1000 Genomes Project 0.00060; 1000 Genomes Project 30x 0.00062; gnomAD 0.00078 and 0.00087; TOPMed 0.00104; ESP Exome Variant Server 0.00154.

Submissions (5):

Labcorp Genetics (formerly Invitae), Labcorp
Classification: Benign. Last evaluated: 2026-01-27. Review status: criteria provided, single submitter. Criteria: Invitae Variant Classification Sherloc (09022015). Collection method: clinical testing. Allele origin: germline.

Blueprint Genetics
Classification: Likely benign. Last evaluated: 2024-07-02. Review status: criteria provided, single submitter. Criteria: ACMG Guidelines, 2015. Collection method: clinical testing. Allele origin: germline.

CeGaT Center for Human Genetics Tuebingen
Classification: Likely benign. Last evaluated: 2024-07-01. Review status: criteria provided, single submitter. Criteria: CeGaT Center For Human Genetics Tuebingen Variant Classification Criteria Version 2. Collection method: clinical testing. Allele origin: germline. Affected: yes. Observed: 1 variant allele.
Comment: NDUFA11: BP4

GeneDx
Classification: Benign. Last evaluated: 2015-09-14. Review status: criteria provided, single submitter. Criteria: GeneDx Variant Classification (06012015). Collection method: clinical testing. Allele origin: germline. Affected: yes.
Comment: This variant is considered likely benign or benign based on one or more of the following criteria: it is a conservative change, it occurs at a poorly conserved position in the protein, it is predicted to be benign by multiple in silico algorithms, and/or has population frequency not consistent with disease.

Breakthrough Genomics
Classification: Benign. Review status: criteria provided, single submitter. Criteria: ACMG Guidelines, 2015. Collection method: not provided. Allele origin: germline. Inheritance: Autosomal recessive inheritance. Affected: yes.

NM_175614.5(NDUFA11):c.98-4G>A

Gene: NDUFA11 (NADH:ubiquinone oxidoreductase subunit A11; minus strand). Cytogenetic location: 19p13.3.
Variant type: single nucleotide variant.
Coding change: c.98-4G>A on transcript NM_175614.5 (MANE Select); 4 bases into the intron before coding-DNA position 98, G replaced by A.
Molecular consequence: intron variant.
Genome position (GRCh38, 1-based): chr19:5,897,001, C>T on the plus strand (G>A on the coding strand, the complement: NDUFA11 is on the minus strand). VCF-style: chr19-5897001-C-T. GRCh37 (hg19) VCF-style: chr19-5897012-C-T.
Other names: c.98-4G>A (NM_001193375.3).
Identifiers: ClinVar variation 379863 (VCV000379863.30), dbSNP rs199741006, ClinGen allele CA9119020.